The following is an entry in ClinVar:

ClinVar aggregate classification (germline): Uncertain significance (1 of 4 stars; one submission).

Conditions:
Hyperphosphatasia with impaired intellectual development syndrome 2. Also called: GLYCOSYLPHOSPHATIDYLINOSITOL BIOSYNTHESIS DEFECT 6; Hyperphosphatasia with intellectual disability syndrome 2. Identifiers: Orphanet 247262, MedGen C3553637, MONDO:0013882, OMIM 614749.

Submission:

Labcorp Genetics (formerly Invitae), Labcorp
Classification: Uncertain significance for Hyperphosphatasia with impaired intellectual development syndrome 2. Last evaluated: 2025-05-05. Review status: criteria provided, single submitter. Criteria: Invitae Variant Classification Sherloc (09022015). Collection method: clinical testing. Allele origin: germline.
Comment: This sequence change replaces alanine, which is neutral and non-polar, with threonine, which is neutral and polar, at codon 835 of the PIGO protein (p.Ala835Thr). This variant is not present in population databases (gnomAD no frequency). This variant has not been reported in the literature in individuals affected with PIGO-related conditions. ClinVar contains an entry for this variant (Variation ID: 3720721). Invitae Evidence Modeling of protein sequence and biophysical properties (such as structural, functional, and spatial information, amino acid conservation, physicochemical variation, residue mobility, and thermodynamic stability) indicates that this missense variant is not expected to disrupt PIGO protein function with a negative predictive value of 95%. In summary, the available evidence is currently insufficient to determine the role of this variant in disease. Therefore, it has been classified as a Variant of Uncertain Significance.

NM_032634.4(PIGO):c.2503G>A (p.Ala835Thr)

Gene: PIGO (phosphatidylinositol glycan anchor biosynthesis class O; minus strand). Cytogenetic location: 9p13.3.
Variant type: single nucleotide variant.
Coding change: c.2503G>A on transcript NM_032634.4 (MANE Select); coding-DNA position 2503, G replaced by A.
Protein change: p.Ala835Thr; replaces alanine 835 with threonine.
Molecular consequence: missense variant. On other transcripts: intron variant (2).
Genome position (GRCh38, 1-based): chr9:35,091,384, C>T on the plus strand (G>A on the coding strand, the complement: PIGO is on the minus strand). VCF-style: chr9-35091384-C-T. GRCh37 (hg19) VCF-style: chr9-35091381-C-T.
Other names: c.1345-93G>A (NM_152850.4, NM_001201484.2); short protein forms A835T.
Identifiers: ClinVar variation 3720721 (VCV003720721.2).